The following is an entry in ClinVar:

ClinVar aggregate classification (germline): Pathogenic. Review status: criteria provided, multiple submitters, no conflicts (2 of 4 stars). 3 submissions from 3 submitters: Pathogenic (3). Last evaluated 2024-05-02.

Conditions:
Breast-ovarian cancer, familial, susceptibility to, 4. Identifiers: Orphanet 145, MedGen C3280345, MONDO:0013669, OMIM 614291.
Hereditary cancer-predisposing syndrome. Also called: Hereditary neoplastic syndrome; Neoplastic Syndromes, Hereditary; Hereditary Cancer Syndrome; Tumor predisposition. Identifiers: Orphanet 140162, MedGen C0027672, MeSH D009386, MONDO:0015356.

Submissions (3):

Ambry Genetics
Classification: Pathogenic for Hereditary cancer-predisposing syndrome. Last evaluated: 2024-05-02. Review status: criteria provided, single submitter. Criteria: Ambry Variant Classification Scheme 2023. Collection method: clinical testing. Allele origin: germline.
Comment: The p.S197* pathogenic mutation (also known as c.590C>G), located in coding exon 7 of the RAD51D gene, results from a C to G substitution at nucleotide position 590. This changes the amino acid from a serine to a stop codon within coding exon 7. This variant is considered to be rare based on population cohorts in the Genome Aggregation Database (gnomAD). This alteration is expected to result in loss of function by premature protein truncation or nonsense-mediated mRNA decay. As such, this alteration is interpreted as a disease-causing mutation.

Myriad Genetics, Inc.
Classification: Pathogenic for Breast-ovarian cancer, familial, susceptibility to, 4. Last evaluated: 2024-01-04. Review status: criteria provided, single submitter. Criteria: Myriad Autosomal Dominant, Autosomal Recessive and X-Linked Classification Criteria (2023). Collection method: clinical testing. Allele origin: unknown.
Comment: This variant is considered pathogenic. This variant creates a termination codon and is predicted to result in premature protein truncation.

Labcorp Genetics (formerly Invitae), Labcorp
Classification: Pathogenic for Breast-ovarian cancer, familial, susceptibility to, 4. Last evaluated: 2023-07-10. Review status: criteria provided, single submitter. Criteria: Invitae Variant Classification Sherloc (09022015). Collection method: clinical testing. Allele origin: germline.
Comment: For these reasons, this variant has been classified as Pathogenic. ClinVar contains an entry for this variant (Variation ID: 2193058). This variant has not been reported in the literature in individuals affected with RAD51D-related conditions. This variant is not present in population databases (gnomAD no frequency). This sequence change creates a premature translational stop signal (p.Ser197*) in the RAD51D gene. It is expected to result in an absent or disrupted protein product. Loss-of-function variants in RAD51D are known to be pathogenic (PMID: 21822267).

Literature cited by the submitters: PubMed 21822267 (cited by Labcorp Genetics (formerly Invitae), Labcorp).

NM_002878.4(RAD51D):c.590C>G (p.Ser197Ter)

Genes: RAD51L3-RFFL (RAD51L3-RFFL readthrough; minus strand), RAD51D (RAD51 paralog D; minus strand). Cytogenetic location: 17q12.
Variant type: single nucleotide variant.
Coding change: c.590C>G on transcript NM_002878.4 (MANE Select); coding-DNA position 590, C replaced by G.
Protein change: p.Ser197Ter; replaces serine 197 with a stop codon.
Molecular consequence: nonsense. On other transcripts: non-coding transcript variant (3).
Genome position (GRCh38, 1-based): chr17:35,103,531, G>C on the plus strand (C>G on the coding strand, the complement: RAD51D is on the minus strand). VCF-style: chr17-35103531-G-C. GRCh37 (hg19) VCF-style: chr17-33430550-G-C.
Other names: c.650C>G, p.Ser217Ter (NM_001142571.2); c.254C>G, p.Ser85Ter (NM_133629.3); short protein forms S197*, S85*, S217*.
Identifiers: ClinVar variation 2193058 (VCV002193058.6), dbSNP rs2091565327, ClinGen allele CA399087973.